The following is an entry in ClinVar:

ClinVar aggregate classification (germline): Uncertain significance (1 of 4 stars; one submission).

Submission:

Labcorp Genetics (formerly Invitae), Labcorp
Classification: Uncertain significance. Last evaluated: 2022-03-25. Review status: criteria provided, single submitter. Criteria: Invitae Variant Classification Sherloc (09022015). Collection method: clinical testing. Allele origin: germline.
Comment: In summary, the available evidence is currently insufficient to determine the role of this variant in disease. Therefore, it has been classified as a Variant of Uncertain Significance. Algorithms developed to predict the effect of missense changes on protein structure and function are either unavailable or do not agree on the potential impact of this missense change (SIFT: "Not Available"; PolyPhen-2: "Possibly Damaging"; Align-GVGD: "Not Available"). This variant has not been reported in the literature in individuals affected with PNLIP-related conditions. This variant is not present in population databases (gnomAD no frequency). This sequence change replaces aspartic acid, which is acidic and polar, with histidine, which is basic and polar, at codon 345 of the PNLIP protein (p.Asp345His).

NM_000936.4(PNLIP):c.1033G>C (p.Asp345His)

Gene: PNLIP (pancreatic lipase; plus strand). Cytogenetic location: 10q25.3.
Variant type: single nucleotide variant.
Coding change: c.1033G>C on transcript NM_000936.4 (MANE Select); coding-DNA position 1033, G replaced by C.
Protein change: p.Asp345His; replaces aspartic acid 345 with histidine.
Molecular consequence: missense variant.
Genome position (GRCh38, 1-based): chr10:116,559,256, G>C. VCF-style: chr10-116559256-G-C. GRCh37 (hg19) VCF-style: chr10-118318768-G-C.
Other names: short protein forms D345H.
Identifiers: ClinVar variation 1975157 (VCV001975157.5), dbSNP rs2493060828, ClinGen allele CA378497767.
Genomic context (GRCh38, chr10:116,559,256, plus strand): 5'-GGTCACTATGCTGATAGATATCCTGGGAAAACAAATGATGTGGGCCAGAAATTTTATCTA[G>C]ACACTGGTGATGCCAGTAATTTTGCACGTAAGTTTCTGTTTTCTGTATCTTATATTCTTA-3'
Protein context (NP_000927.1, residues 335-355): TNDVGQKFYL[Asp345His]TGDASNFARW